The following is an entry in ClinVar:

NM_001367721.1(CASK):c.1583G>C (p.Gly528Ala)

Gene: CASK (calcium/calmodulin dependent serine protein kinase; minus strand). Cytogenetic location: Xp11.4.
Variant type: single nucleotide variant.
Coding change: c.1583G>C on transcript NM_001367721.1 (MANE Select); coding-DNA position 1583, G replaced by C.
Protein change: p.Gly528Ala; replaces glycine 528 with alanine.
Molecular consequence: missense variant.
Genome position (GRCh38, 1-based): chrX:41,561,644, C>G on the plus strand (G>C on the coding strand, the complement: CASK is on the minus strand). VCF-style: chrX-41561644-C-G. GRCh37 (hg19) VCF-style: chrX-41420897-C-G.
Other names: c.1583G>C, p.Gly528Ala (NM_001126054.3, NM_003688.4); c.1565G>C, p.Gly522Ala (NM_001126055.3, NM_001410745.1); short protein forms G528A, G522A.
Identifiers: ClinVar variation 3485095 (VCV003485095.1).

ClinVar aggregate classification (germline): Uncertain significance (1 of 4 stars; one submission).

Conditions:
Inborn genetic diseases. Identifiers: MedGen C0950123, MeSH D030342.

Submission:

Ambry Genetics
Classification: Uncertain significance for Inborn genetic diseases. Last evaluated: 2024-10-10. Review status: criteria provided, single submitter. Criteria: Ambry Variant Classification Scheme 2023. Collection method: clinical testing. Allele origin: germline.
Comment: The c.1583G>C (p.G528A) alteration is located in exon 17 (coding exon 17) of the CASK gene. This alteration results from a G to C substitution at nucleotide position 1583, causing the glycine (G) at amino acid position 528 to be replaced by an alanine (A). This variant was not reported in population-based cohorts in the Genome Aggregation Database (gnomAD). This amino acid position is highly conserved in available vertebrate species. This alteration is predicted to be deleterious by in silico analysis. Based on insufficient or conflicting evidence, the clinical significance of this alteration remains unclear.